The following is an entry in ClinVar:

NM_006269.2(RP1):c.2232T>G (p.Cys744Trp)

Gene: RP1 (RP1 axonemal microtubule associated; plus strand). Cytogenetic location: 8q12.1.
Variant type: single nucleotide variant.
Coding change: c.2232T>G on transcript NM_006269.2 (MANE Select); coding-DNA position 2232, T replaced by G.
Protein change: p.Cys744Trp; replaces cysteine 744 with tryptophan.
Molecular consequence: missense variant. On other transcripts: intron variant (1).
Genome position (GRCh38, 1-based): chr8:54,626,114, T>G. VCF-style: chr8-54626114-T-G. GRCh37 (hg19) VCF-style: chr8-55538674-T-G.
Other names: c.787+3826T>G (NM_001375654.1); short protein forms C744W.
Identifiers: ClinVar variation 1381006 (VCV001381006.6), dbSNP rs1806037949, ClinGen allele CA370993084.

ClinVar aggregate classification (germline): Uncertain significance (1 of 4 stars; one submission).

Submission:

Labcorp Genetics (formerly Invitae), Labcorp
Classification: Uncertain significance. Last evaluated: 2021-09-14. Review status: criteria provided, single submitter. Criteria: Invitae Variant Classification Sherloc (09022015). Collection method: clinical testing. Allele origin: germline.
Comment: This sequence change replaces cysteine with tryptophan at codon 744 of the RP1 protein (p.Cys744Trp). The cysteine residue is weakly conserved and there is a large physicochemical difference between cysteine and tryptophan. This variant is not present in population databases (ExAC no frequency). This variant has not been reported in the literature in individuals affected with RP1-related conditions. Algorithms developed to predict the effect of missense changes on protein structure and function (SIFT, PolyPhen-2, Align-GVGD) all suggest that this variant is likely to be tolerated. In summary, the available evidence is currently insufficient to determine the role of this variant in disease. Therefore, it has been classified as a Variant of Uncertain Significance.